The following is an entry in ClinVar:

ClinVar aggregate classification (germline): Pathogenic/Likely pathogenic. Review status: criteria provided, multiple submitters, no conflicts (2 of 4 stars). 3 submissions from 3 submitters: Pathogenic (1); Likely pathogenic (2). Last evaluated 2023-01-20.

Conditions:
Fanconi anemia (FA). Also called: Fanconi's anemia. Identifiers: Orphanet 84, MedGen C0015625, MeSH D005199, MONDO:0019391.
Fanconi anemia complementation group B (FANCB). Also called: FANCONI PANCYTOPENIA, TYPE 2; FANCB-Related Fanconi Anemia. Identifiers: Orphanet 84, MedGen C1845292, MONDO:0010351, OMIM 300514.

Submissions (3):

Labcorp Genetics (formerly Invitae), Labcorp
Classification: Pathogenic for Fanconi anemia. Last evaluated: 2023-01-20. Review status: criteria provided, single submitter. Criteria: Invitae Variant Classification Sherloc (09022015). Collection method: clinical testing. Allele origin: germline.
Comment: This sequence change creates a premature translational stop signal (p.Arg261*) in the FANCB gene. It is expected to result in an absent or disrupted protein product. Loss-of-function variants in FANCB are known to be pathogenic (PMID: 15502827, 23613520). For these reasons, this variant has been classified as Pathogenic. ClinVar contains an entry for this variant (Variation ID: 1395141). This variant has not been reported in the literature in individuals affected with FANCB-related conditions. This variant is not present in population databases (gnomAD no frequency).

Center for Pediatric Genomic Medicine, Children's Mercy Hospital and Clinics
Classification: Likely pathogenic for Fanconi anemia complementation group B. Last evaluated: 2018-05-01. Review status: criteria provided, single submitter. Criteria: ACMG Guidelines, 2015. Collection method: clinical testing. Allele origin: germline. Affected: yes.
Comment: PVS1, PM2

Neuberg Centre For Genomic Medicine, NCGM
Classification: Likely pathogenic for Fanconi anemia complementation group B. Review status: criteria provided, single submitter. Criteria: ACMG Guidelines, 2015. Collection method: clinical testing. Allele origin: germline. Inheritance: X-linked recessive inheritance. Affected: yes.
Comment: The stop gained c.781C>T p.Arg261Ter variant in FANCB gene has not been reported previously as a pathogenic variant nor as a benign variant, to our knowledge. The p.Arg261Ter variant is novel not in any individuals in gnomAD Exomes and is novel not in any individuals in 1000 Genomes. This variant has been reported to the ClinVar database as Pathogenic. The nucleotide change c.781C>T in FANCB is predicted as conserved by GERP++ and PhyloP across 100 vertebrates. This variant is predicted to cause loss of normal protein function through protein truncation. Loss-of-function variants in FANCB are known to be pathogenic Chandrasekharappa SC et al. 2013. Functional studies are required to prove the pathogenicity for the variant, for these reasons, this variant has been classified as Likely Pathogenic.

Literature cited by the submitters: PubMed 15502827 (cited by Labcorp Genetics (formerly Invitae), Labcorp); PubMed 23613520 (cited by Labcorp Genetics (formerly Invitae), Labcorp).

NM_001018113.3(FANCB):c.781C>T (p.Arg261Ter)

Gene: FANCB (FA complementation group B; minus strand). Cytogenetic location: Xp22.2.
Variant type: single nucleotide variant.
Coding change: c.781C>T on transcript NM_001018113.3 (MANE Select); coding-DNA position 781, C replaced by T.
Protein change: p.Arg261Ter; replaces arginine 261 with a stop codon.
Molecular consequence: nonsense.
Genome position (GRCh38, 1-based): chrX:14,864,730, G>A on the plus strand (C>T on the coding strand, the complement: FANCB is on the minus strand). VCF-style: chrX-14864730-G-A. GRCh37 (hg19) VCF-style: chrX-14882852-G-A.
Other names: c.781C>T, p.Arg261Ter (NM_001324162.2, NM_152633.4); short protein forms R261*.
Identifiers: ClinVar variation 1395141 (VCV001395141.9), dbSNP rs2147445599, ClinGen allele CA412443722.